The following is an entry in ClinVar:

NM_002439.5(MSH3):c.2623G>A (p.Asp875Asn)

Gene: MSH3 (mutS homolog 3; plus strand). Cytogenetic location: 5q14.1.
Variant type: single nucleotide variant.
Coding change: c.2623G>A on transcript NM_002439.5 (MANE Select); coding-DNA position 2623, G replaced by A.
Protein change: p.Asp875Asn; replaces aspartic acid 875 with asparagine.
Molecular consequence: missense variant.
Genome position (GRCh38, 1-based): chr5:80,792,812, G>A. VCF-style: chr5-80792812-G-A. GRCh37 (hg19) VCF-style: chr5-80088631-G-A.
Other names: short protein forms D875N.
Identifiers: ClinVar variation 644860 (VCV000644860.21), dbSNP rs146185367, ClinGen allele CA3328305.
Genomic context (GRCh38, chr5:80,792,812, plus strand): 5'-AGAAAAATTGTAATAAAAAATGGAAGGCACCCTGTGATTGATGTGTTGCTGGGAGAACAG[G>A]ATCAATATGTCCCAAATAATACAGATTTATCAGTAAGTACCTTATGCCAAAAAATAAGTC-3'
Protein context (NP_002430.3, residues 865-885): PVIDVLLGEQ[Asp875Asn]QYVPNNTDLS

ClinVar aggregate classification (germline): Uncertain significance. Review status: criteria provided, multiple submitters, no conflicts (2 of 4 stars). 8 submissions from 8 submitters: Uncertain significance (8). Last evaluated 2026-01-13.

Conditions:
Endometrial carcinoma. Also called: Endometrial carcinoma, somatic. Identifiers: MedGen C0476089, MONDO:0002447, OMIM 608089, HP:0012114.
Familial adenomatous polyposis 4 (FAP4). Also called: MSH3-related attenuated familial adenomatous polyposis. Identifiers: Orphanet 480536, MedGen C4310719, MONDO:0044300, OMIM 617100.
MSH3-related disorder. Also called: MSH3-related condition.
Hereditary cancer-predisposing syndrome. Also called: Neoplastic Syndromes, Hereditary; Tumor predisposition; Hereditary neoplastic syndrome; Hereditary Cancer Syndrome. Identifiers: Orphanet 140162, MedGen C0027672, MeSH D009386, MONDO:0015356.

Allele frequency attached by ClinVar (database versions not stated): gnomAD 0.00003; gnomAD exomes 0.00004 and 0.00005; TOPMed 0.00004; ExAC 0.00006; ESP Exome Variant Server 0.00008; 1000 Genomes Project 30x 0.00016; 1000 Genomes Project 0.00020.
gnomAD v4.1: 69 of 1,612,326 alleles (0.0043%); highest among the groups gnomAD compares: Non-Finnish European, 0.0056%; no homozygotes.

Submissions (8):

Labcorp Genetics (formerly Invitae), Labcorp
Classification: Uncertain significance. Last evaluated: 2026-01-13. Review status: criteria provided, single submitter. Criteria: Invitae Variant Classification Sherloc (09022015). Collection method: clinical testing. Allele origin: germline.
Comment: This sequence change replaces aspartic acid, which is acidic and polar, with asparagine, which is neutral and polar, at codon 875 of the MSH3 protein (p.Asp875Asn). This variant is present in population databases (rs146185367, gnomAD 0.009%). This variant has not been reported in the literature in individuals affected with MSH3-related conditions. ClinVar contains an entry for this variant (Variation ID: 644860). An algorithm developed to predict the effect of missense changes on protein structure and function (PolyPhen-2) suggests that this variant is likely to be tolerated. In summary, the available evidence is currently insufficient to determine the role of this variant in disease. Therefore, it has been classified as a Variant of Uncertain Significance.

PreventionGenetics, part of Exact Sciences
Classification: Uncertain significance for MSH3-related condition. Last evaluated: 2025-11-16. Review status: criteria provided, single submitter. Criteria: ACMG Guidelines, 2015. Collection method: clinical testing. Allele origin: germline.
Comment: The MSH3 c.2623G>A variant is predicted to result in the amino acid substitution p.Asp875Asn. To our knowledge, this variant has not been reported in the literature. This variant is reported in 0.011% of alleles in individuals of European (Non-Finnish) descent in gnomAD and is classified as a variant of uncertain significance in ClinVar (Variation ID: 644860). At this time, the clinical significance of this variant is uncertain due to the absence of conclusive functional and genetic evidence.

St. Jude Molecular Pathology, St. Jude Children's Research Hospital
Classification: Uncertain significance for Familial adenomatous polyposis 4. Last evaluated: 2025-01-21. Review status: criteria provided, single submitter. Criteria: St. Jude Assertion Criteria 2020. Collection method: clinical testing. Allele origin: germline.
Comment: The MSH3 c.2623G>A (p.Asp875Asn) missense change has a maximum subpopulation frequency of 0.010% in gnomAD v2.1.1. The in silico tool REVEL predicts a benign effect on protein function, but to our knowledge this prediction has not been confirmed by functional studies. To our knowledge, this variant has not been reported in individuals with MSH3-associated familial adenomatous polyposis. In summary, the evidence currently available is insufficient to determine the clinical significance of this variant. It has therefore been classified as of uncertain significance.

GeneDx
Classification: Uncertain significance. Last evaluated: 2025-01-02. Review status: criteria provided, single submitter. Criteria: GeneDx Variant Classification Process June 2021. Collection method: clinical testing. Allele origin: germline. Affected: yes.
Comment: Not observed at significant frequency in large population cohorts (gnomAD); In silico analysis supports that this missense variant has a deleterious effect on protein structure/function; Has not been previously published as pathogenic or benign to our knowledge; This variant is associated with the following publications: (PMID: 38254797)

Ambry Genetics
Classification: Uncertain significance for Hereditary cancer-predisposing syndrome. Last evaluated: 2024-12-05. Review status: criteria provided, single submitter. Criteria: Ambry Variant Classification Scheme 2023. Collection method: clinical testing. Allele origin: germline.

Quest Diagnostics Nichols Institute San Juan Capistrano
Classification: Uncertain significance. Last evaluated: 2024-11-29. Review status: criteria provided, single submitter. Criteria: Quest Diagnostics criteria. Collection method: clinical testing. Allele origin: unknown.
Comment: The MSH3 c.2623G>A (p.Asp875Asn) variant has not been reported in individuals with MSH3-related conditions in the published literature. The frequency of this variant in the general population, 0.00011 (12/113442 chromosomes (Genome Aggregation Database)), is uninformative in the assessment of its pathogenicity. Analysis of this variant using bioinformatics tools for the prediction of the effect of amino acid changes on protein structure and function yielded predictions that this variant is benign. Based on the available information, we are unable to determine the clinical significance of this variant.

Baylor Genetics
Classification: Uncertain significance for Endometrial carcinoma. Last evaluated: 2024-03-04. Review status: criteria provided, single submitter. Criteria: ACMG Guidelines, 2015. Collection method: clinical testing. Allele origin: unknown.

Sema4
Classification: Uncertain significance for Hereditary cancer-predisposing syndrome. Last evaluated: 2021-09-15. Review status: criteria provided, single submitter. Criteria: Sema4 Curation Guidelines. Collection method: curation. Allele origin: germline.
Comment: The MSH3 c.2623G>A (p.D875N) variant has not been reported in the literature to our knowledge. It was observed in 12/113442 chromosomes of the European (non-Finnish) subpopulation, with no homozygotes, in the large and broad cohorts of the Genome Aggregation Database (PMID: 32461654), and has been reported in ClinVar (Variation ID 644860). Functional studies have not been performed, and in silico predictions of the variant's effect on protein function are inconclusive. The evidence is insufficient to meet ACMG/AMP criteria for classifying the variant as benign or pathogenic. Thus, the clinical significance of this variant is currently uncertain.

Literature cited by the submitters: PubMed 38254797 (cited by Quest Diagnostics Nichols Institute San Juan Capistrano).